The following is an entry in ClinVar:

ClinVar aggregate classification (germline): Uncertain significance (1 of 4 stars; one submission).

Conditions:
Norman-Roberts syndrome (LIS2). Also called: Lissencephaly 2 (Norman-Roberts type). Identifiers: Orphanet 89844, MedGen C0796089, MONDO:0009760, OMIM 257320.
Familial temporal lobe epilepsy 7. Identifiers: Orphanet 101046, MedGen C4225327, MONDO:0014639, OMIM 616436.

Submission:

Labcorp Genetics (formerly Invitae), Labcorp
Classification: Uncertain significance for Familial temporal lobe epilepsy 7; Norman-Roberts syndrome. Last evaluated: 2024-02-07. Review status: criteria provided, single submitter. Criteria: Invitae Variant Classification Sherloc (09022015). Collection method: clinical testing. Allele origin: germline.
Comment: This sequence change replaces aspartic acid, which is acidic and polar, with glutamic acid, which is acidic and polar, at codon 2473 of the RELN protein (p.Asp2473Glu). This variant is not present in population databases (gnomAD no frequency). This variant has not been reported in the literature in individuals affected with RELN-related conditions. Advanced modeling of protein sequence and biophysical properties (such as structural, functional, and spatial information, amino acid conservation, physicochemical variation, residue mobility, and thermodynamic stability) performed at Invitae indicates that this missense variant is not expected to disrupt RELN protein function with a negative predictive value of 80%. In summary, the available evidence is currently insufficient to determine the role of this variant in disease. Therefore, it has been classified as a Variant of Uncertain Significance.

NM_005045.4(RELN):c.7419T>A (p.Asp2473Glu)

Gene: RELN (reelin; minus strand). Cytogenetic location: 7q22.1.
Variant type: single nucleotide variant.
Coding change: c.7419T>A on transcript NM_005045.4 (MANE Select); coding-DNA position 7419, T replaced by A.
Protein change: p.Asp2473Glu; replaces aspartic acid 2473 with glutamic acid.
Molecular consequence: missense variant.
Genome position (GRCh38, 1-based): chr7:103,523,462, A>T on the plus strand (T>A on the coding strand, the complement: RELN is on the minus strand). VCF-style: chr7-103523462-A-T. GRCh37 (hg19) VCF-style: chr7-103163909-A-T.
Other names: c.7419T>A, p.Asp2473Glu (NM_173054.3); short protein forms D2473E.
Identifiers: ClinVar variation 3754481 (VCV003754481.2).